The following is an entry in ClinVar:

ClinVar aggregate classification (germline): Uncertain significance (1 of 4 stars; one submission).

Conditions:
Intellectual developmental disorder with autistic features and language delay, with or without seizures. Identifiers: MedGen C5394447, MONDO:0030051, OMIM 618906.

Allele frequency attached by ClinVar (database versions not stated): gnomAD 0.00001; TOPMed 0.00001.
gnomAD v4.1: 2 of 1,613,890 alleles (0.00012%); highest among the groups gnomAD compares: Admixed American, 0.0017%; no homozygotes.

Submission:

Greenwood Genetic Center Diagnostic Laboratories, Greenwood Genetic Center
Classification: Uncertain significance for Intellectual developmental disorder with autistic features and language delay, with or without seizures. Last evaluated: 2021-05-25. Review status: criteria provided, single submitter. Criteria: ACMG Guidelines, 2015. Collection method: clinical testing. Allele origin: germline. Affected: yes.
Comment: PM2

NM_001394998.1(TANC2):c.5312G>T (p.Cys1771Phe)

Gene: TANC2 (tetratricopeptide repeat, ankyrin repeat and coiled-coil containing 2; plus strand). Cytogenetic location: 17q23.3.
Variant type: single nucleotide variant.
Coding change: c.5312G>T on transcript NM_001394998.1 (MANE Select); coding-DNA position 5312, G replaced by T.
Protein change: p.Cys1771Phe; replaces cysteine 1771 with phenylalanine.
Molecular consequence: missense variant.
Genome position (GRCh38, 1-based): chr17:63,421,042, G>T. VCF-style: chr17-63421042-G-T. GRCh37 (hg19) VCF-style: chr17-61498403-G-T.
Other names: c.5060G>T, p.Cys1687Phe (NM_025185.4); short protein forms C1687F, C1771F.
Identifiers: ClinVar variation 1334472 (VCV001334472.5), dbSNP rs1302894077, ClinGen allele CA400545378.